The following is an entry in ClinVar:

ClinVar aggregate classification (germline): Conflicting classifications of pathogenicity. Review status: criteria provided, conflicting classifications (1 of 4 stars). 5 submissions from 5 submitters: Uncertain significance (1); Likely benign (4). Last evaluated 2026-08-01.

Conditions:
Cardiovascular phenotype. Identifiers: MedGen CN230736.
Autosomal recessive limb-girdle muscular dystrophy type 2J (LGMDR10). Also called: Limb-girdle muscular dystrophy, type 2J; MUSCULAR DYSTROPHY, LIMB-GIRDLE, AUTOSOMAL RECESSIVE 10. Identifiers: Orphanet 140922, MedGen C1837342, MONDO:0012127, OMIM 608807.
Dilated cardiomyopathy 1G (CMD1G). Identifiers: Orphanet 154, MedGen C1858763, MONDO:0011400, OMIM 604145.

Allele frequency attached by ClinVar (database versions not stated): ExAC 0.00002; TOPMed 0.00002; gnomAD 0.00003 and 0.00004; gnomAD exomes 0.00004.
gnomAD v4.1: 56 of 1,613,000 alleles (0.0035%); highest among the groups gnomAD compares: Middle Eastern, 0.033%; no homozygotes.

Submissions (5):

CeGaT Center for Human Genetics Tuebingen
Classification: Likely benign. Last evaluated: 2026-08-01. Review status: criteria provided, single submitter. Criteria: CeGaT Center For Human Genetics Tuebingen Variant Classification Criteria Version 2. Collection method: clinical testing. Allele origin: germline. Affected: yes. Observed: 2 variant alleles.
Comment: TTN: BP4, BP7

Labcorp Genetics (formerly Invitae), Labcorp
Classification: Likely benign for Dilated cardiomyopathy 1G; Autosomal recessive limb-girdle muscular dystrophy type 2J. Last evaluated: 2025-11-28. Review status: criteria provided, single submitter. Criteria: Invitae Variant Classification Sherloc (09022015). Collection method: clinical testing. Allele origin: germline.

Ambry Genetics
Classification: Uncertain significance for Cardiovascular phenotype. Last evaluated: 2025-08-28. Review status: criteria provided, single submitter. Criteria: Ambry Variant Classification Scheme 2023. Collection method: clinical testing. Allele origin: germline.
Comment: The c.1815C>T variant (also known as p.A605A), located in coding exon 11 of the TTN gene, results from a C to T substitution at nucleotide position 1815. This nucleotide substitution does not change the alanine at codon 605. This nucleotide position is poorly conserved in available vertebrate species. In silico splice site analysis for this alteration is inconclusive. Based on the available evidence, the clinical significance of this variant remains unclear.

GeneDx
Classification: Likely benign. Last evaluated: 2021-02-02. Review status: criteria provided, single submitter. Criteria: GeneDx Variant Classification Process June 2021. Collection method: clinical testing. Allele origin: germline. Affected: yes.

Laboratory for Molecular Medicine, Mass General Brigham Personalized Medicine
Classification: Likely benign. Last evaluated: 2015-06-10. Review status: criteria provided, single submitter. Criteria: LMM Criteria. Collection method: clinical testing. Allele origin: germline. Observed: 1 variant allele.
Comment: p.Ala651Ala in exon 13 of TTN: This variant is not expected to have clinical sig nificance because it does not alter an amino acid residue and is not located wit hin the splice consensus sequence. It has been identified in 1/10316 African chr omosomes and 2/66402 European chromosomes by the Exome Aggregation Consortium (E xAC).

NM_001267550.2(TTN):c.1953C>T (p.Ala651=)

Gene: TTN (titin; minus strand). Cytogenetic location: 2q31.2.
Variant type: single nucleotide variant.
Coding change: c.1953C>T on transcript NM_001267550.2 (MANE Select); coding-DNA position 1953, C replaced by T.
Protein change: p.Ala651=; no amino-acid change (alanine 651 retained).
Molecular consequence: synonymous variant.
Genome position (GRCh38, 1-based): chr2:178,789,483, G>A on the plus strand (C>T on the coding strand, the complement: TTN is on the minus strand). VCF-style: chr2-178789483-G-A. GRCh37 (hg19) VCF-style: chr2-179654210-G-A.
Other names: c.1953C>T, p.Ala651= (NM_001256850.1, NM_133378.4, NM_133379.5); c.1815C>T, p.Ala605= (NM_003319.4, NM_133432.3, NM_133437.4).
Identifiers: ClinVar variation 228069 (VCV000228069.59), dbSNP rs778742098, ClinGen allele CA2005930.